The following is an entry in ClinVar:

ClinVar aggregate classification (germline): Benign (1 of 4 stars; one submission).

Conditions:
Intellectual developmental disorder, autosomal recessive 5. Also called: Intellectual disability, autosomal recessive 5. Identifiers: Orphanet 88616, MedGen C1970199, MONDO:0012613, OMIM 611091.

Allele frequency attached by ClinVar (database versions not stated): gnomAD 0.00898 and 0.00970; TOPMed 0.00988; 1000 Genomes Project 0.01018; 1000 Genomes Project 30x 0.01109.

Submission:

Illumina Laboratory Services, Illumina
Classification: Benign for Intellectual developmental disorder, autosomal recessive 5. Last evaluated: 2018-01-12. Review status: criteria provided, single submitter. Criteria: ICSL Variant Classification Criteria 13 December 2019. Collection method: clinical testing. Allele origin: germline.
Comment: This variant was observed in the ICSL laboratory as part of a predisposition screen in an ostensibly healthy population. It had not been previously curated by ICSL or reported in the Human Gene Mutation Database (HGMD: prior to June 1st, 2018), and was therefore a candidate for classification through an automated scoring system. Utilizing variant allele frequency, disease prevalence and penetrance estimates, and inheritance mode, an automated score was calculated to assess if this variant is too frequent to cause the disease. Based on the score and internal cut-off values, a variant classified as benign is not then subjected to further curation. The score for this variant resulted in a classification of benign for this disease.

NM_017755.6(NSUN2):c.*581T>C

Gene: NSUN2 (NOP2/Sun RNA methyltransferase 2; minus strand). Cytogenetic location: 5p15.31.
Variant type: single nucleotide variant.
Coding change: c.*581T>C on transcript NM_017755.6 (MANE Select); 581 bases downstream of the stop codon, T replaced by C.
Molecular consequence: 3 prime UTR variant. On other transcripts: non-coding transcript variant (1).
Genome position (GRCh38, 1-based): chr5:6,599,345, A>G on the plus strand (T>C on the coding strand, the complement: NSUN2 is on the minus strand). VCF-style: chr5-6599345-A-G. GRCh37 (hg19) VCF-style: chr5-6599458-A-G.
Other names: c.*581T>C (NM_001193455.2).
Identifiers: ClinVar variation 354038 (VCV000354038.5), dbSNP rs142451419, ClinGen allele CA10625066.